The following is an entry in ClinVar:

ClinVar aggregate classification (germline): Likely pathogenic (1 of 4 stars; one submission).

Submission:

Dasa
Classification: Likely pathogenic. Last evaluated: 2024-09-27. Review status: criteria provided, single submitter. Criteria: DASA Assertion Criteria. Collection method: clinical testing. Allele origin: germline.
Comment: NM_001199198.3(TBC1D23):c.304G>T (p.Glu102*) is a nonsense variant in TBC1D23 predicted to introduce a premature termination codon and is predicted to result in an absent or altered protein product. Loss of function is an established disease mechanism for TBC1D23-associated disorders. Also, this variant is absent from population databases. Based on the currently available evidence, this variant is classified as likely pathogenic.

NM_001199198.3(TBC1D23):c.304G>T (p.Glu102Ter)

Gene: TBC1D23 (TBC1 domain family member 23; plus strand). Cytogenetic location: 3q12.1.
Variant type: single nucleotide variant.
Coding change: c.304G>T on transcript NM_001199198.3 (MANE Select); coding-DNA position 304, G replaced by T.
Protein change: p.Glu102Ter; replaces glutamic acid 102 with a stop codon.
Molecular consequence: nonsense.
Genome position (GRCh38, 1-based): chr3:100,283,639, G>T. VCF-style: chr3-100283639-G-T. GRCh37 (hg19) VCF-style: chr3-100002483-G-T.
Other names: c.304G>T, p.Glu102Ter (NM_018309.5); short protein forms E102*.
Identifiers: ClinVar variation 4885673 (VCV004885673.2).